The following is an entry in ClinVar:

NM_001134793.2(HYLS1):c.-25-3061A>G

Genes: HYLS1 (HYLS1 centriolar and ciliogenesis associated; plus strand), PUS3 (pseudouridine synthase 3; minus strand). Cytogenetic location: 11q24.2.
Variant type: single nucleotide variant.
Coding change: c.-25-3061A>G on transcript NM_001134793.2 (MANE Select); 3061 bases into the intron before 25 bases upstream of the start codon, A replaced by G.
Molecular consequence: intron variant. On other transcripts: missense variant (1), initiator codon variant (1).
Genome position (GRCh38, 1-based): chr11:125,896,283, A>G. VCF-style: chr11-125896283-A-G. GRCh37 (hg19) VCF-style: chr11-125766178-A-G.
Other names: c.2T>C, p.Met1Thr (NM_031307.4); c.-80-2821A>G (NM_145014.3); c.-22-3064A>G (NM_001424364.1, NM_001377270.1); c.-25-3061A>G (NM_001377269.1); c.-246-494T>C (NM_001271985.2); short protein forms M1T.
Identifiers: ClinVar variation 1683866 (VCV001683866.3), dbSNP rs1296929975, ClinGen allele CA383201425.
Genomic context (GRCh38, chr11:125,896,283, plus strand): 5'-AGTTCTCGTACTCTTTTTAGGAGCTTCTCAGTCTGGTTTCTGTCTGTGTCATTATAAGCC[A>G]TGATATGACAACCCCAGGAATAAACGAACCATACAGGTCTGCCCTGTCTGAAAAGAGAGC-3'

ClinVar aggregate classification (germline): Pathogenic (1 of 4 stars; one submission).

Allele frequency attached by ClinVar (database versions not stated): gnomAD exomes below 0.00001; gnomAD 0.00001; TOPMed 0.00001.
gnomAD v4.1: 5 of 1,602,426 alleles (0.00031%); highest among the groups gnomAD compares: East Asian, 0.0022%; no homozygotes.

Submission:

GeneDx
Classification: Pathogenic. Last evaluated: 2022-04-26. Review status: criteria provided, single submitter. Criteria: GeneDx Variant Classification Process June 2021. Collection method: clinical testing. Allele origin: germline. Affected: yes.
Comment: Initiation codon variant in a gene for which loss-of-function is a known mechanism of disease; Not observed at significant frequency in large population cohorts (gnomAD); Has not been previously published as pathogenic or benign to our knowledge; This variant is associated with the following publications: (PMID: 27535533)